The following is an entry in ClinVar:

ClinVar aggregate classification (germline): Uncertain significance (1 of 4 stars; one submission).

Conditions:
ALG6-congenital disorder of glycosylation 1C (CDG1C). Also called: CDG Ic; Congenital disorder of glycosylation, type Ic; CARBOHYDRATE-DEFICIENT GLYCOPROTEIN SYNDROME, TYPE I, WITH DEFICIENT GLYCOSYLATION OF DOLICHOL-LINKED OLIGOSACCHARIDE; CARBOHYDRATE-DEFICIENT GLYCOPROTEIN SYNDROME, TYPE V; Congenital disorder of glycosylation type 1C. Identifiers: Orphanet 79320, MedGen C2930997, MONDO:0011291, OMIM 603147.

Allele frequency attached by ClinVar (database versions not stated): gnomAD exomes below 0.00001; gnomAD 0.00001.
gnomAD v4.1: 2 of 1,613,106 alleles (0.00012%); highest among the groups gnomAD compares: Middle Eastern, 0.016%; no homozygotes.

Submission:

Labcorp Genetics (formerly Invitae), Labcorp
Classification: Uncertain significance for ALG6-congenital disorder of glycosylation 1C. Last evaluated: 2022-06-20. Review status: criteria provided, single submitter. Criteria: Invitae Variant Classification Sherloc (09022015). Collection method: clinical testing. Allele origin: germline.
Comment: This sequence change replaces leucine, which is neutral and non-polar, with isoleucine, which is neutral and non-polar, at codon 380 of the ALG6 protein (p.Leu380Ile). This variant is present in population databases (no rsID available, gnomAD 0.0008%). This variant has not been reported in the literature in individuals affected with ALG6-related conditions. Algorithms developed to predict the effect of missense changes on protein structure and function are either unavailable or do not agree on the potential impact of this missense change (SIFT: "Deleterious"; PolyPhen-2: "Probably Damaging"; Align-GVGD: "Class C0"). In summary, the available evidence is currently insufficient to determine the role of this variant in disease. Therefore, it has been classified as a Variant of Uncertain Significance.

NM_013339.4(ALG6):c.1138C>A (p.Leu380Ile)

Gene: ALG6 (ALG6 alpha-1,3-glucosyltransferase; plus strand). Cytogenetic location: 1p31.3.
Variant type: single nucleotide variant.
Coding change: c.1138C>A on transcript NM_013339.4 (MANE Select); coding-DNA position 1138, C replaced by A.
Protein change: p.Leu380Ile; replaces leucine 380 with isoleucine.
Molecular consequence: missense variant.
Genome position (GRCh38, 1-based): chr1:63,428,938, C>A. VCF-style: chr1-63428938-C-A. GRCh37 (hg19) VCF-style: chr1-63894609-C-A.
Other names: short protein forms L380I.
Identifiers: ClinVar variation 1467014 (VCV001467014.5), dbSNP rs1461862944, ClinGen allele CA340639928.